The following is an entry in ClinVar:

ClinVar aggregate classification (germline): Conflicting classifications of pathogenicity. Review status: criteria provided, conflicting classifications (1 of 4 stars). 4 submissions from 4 submitters: Uncertain significance (1); Likely benign (3). Last evaluated 2025-12-08.

Conditions:
COPA-related disorder. Also called: COPA-related condition.
Autoimmune interstitial lung disease-arthritis syndrome. Also called: Autoinflammation and autoimmunity, systemic, with immune dysregulation. Identifiers: Orphanet 444092, MedGen C5975714, MONDO:0014629.

Allele frequency attached by ClinVar (database versions not stated): gnomAD exomes 0.00005; ExAC 0.00007; gnomAD 0.00007; TOPMed 0.00007; ESP Exome Variant Server 0.00015.
gnomAD v4.1: 74 of 1,613,468 alleles (0.0046%); highest among the groups gnomAD compares: Admixed American, 0.0083%; no homozygotes.

Submissions (4):

Labcorp Genetics (formerly Invitae), Labcorp
Classification: Likely benign for Autoimmune interstitial lung disease-arthritis syndrome. Last evaluated: 2025-12-08. Review status: criteria provided, single submitter. Criteria: Invitae Variant Classification Sherloc (09022015). Collection method: clinical testing. Allele origin: germline.

PreventionGenetics, part of Exact Sciences
Classification: Uncertain significance for COPA-related condition. Last evaluated: 2024-12-28. Review status: criteria provided, single submitter. Criteria: ACMG Guidelines, 2015. Collection method: clinical testing. Allele origin: germline.
Comment: The COPA c.1205C>T variant is predicted to result in the amino acid substitution p.Ser402Phe. To our knowledge, this variant has not been reported in the literature. This variant is reported in 0.010% of alleles in individuals of European (Non-Finnish) descent in gnomAD. Although we suspect that this variant may be benign, at this time, the clinical significance of this variant is uncertain due to the absence of conclusive functional and genetic evidence.

CeGaT Center for Human Genetics Tuebingen
Classification: Likely benign. Last evaluated: 2024-09-01. Review status: criteria provided, single submitter. Criteria: CeGaT Center For Human Genetics Tuebingen Variant Classification Criteria Version 2. Collection method: clinical testing. Allele origin: germline. Affected: yes. Observed: 1 variant allele.
Comment: COPA: BS2

Blueprint Genetics
Classification: Likely benign. Last evaluated: 2024-08-28. Review status: criteria provided, single submitter. Criteria: ACMG Guidelines, 2015. Collection method: clinical testing. Allele origin: germline.

NM_004371.4(COPA):c.1205C>T (p.Ser402Phe)

Gene: COPA (coat protein complex I subunit alpha; minus strand). Cytogenetic location: 1q23.2.
Variant type: single nucleotide variant.
Coding change: c.1205C>T on transcript NM_004371.4 (MANE Select); coding-DNA position 1205, C replaced by T.
Protein change: p.Ser402Phe; replaces serine 402 with phenylalanine.
Molecular consequence: missense variant.
Genome position (GRCh38, 1-based): chr1:160,309,115, G>A on the plus strand (C>T on the coding strand, the complement: COPA is on the minus strand). VCF-style: chr1-160309115-G-A. GRCh37 (hg19) VCF-style: chr1-160278905-G-A.
Other names: c.1205C>T, p.Ser402Phe (NM_001098398.2); short protein forms S402F.
Identifiers: ClinVar variation 970082 (VCV000970082.25), dbSNP rs200604416, ClinGen allele CA1198173.